The following is an entry in ClinVar:

ClinVar aggregate classification (germline): Uncertain significance (1 of 4 stars; one submission).

Conditions:
Familial cancer of breast. Also called: BREAST CANCER, FAMILIAL; Hereditary breast cancer; hereditary breast carcinoma. Identifiers: Orphanet 227535, MedGen C0346153, MONDO:0016419, OMIM 114480. Disease mechanism: loss of function.

Submission:

Labcorp Genetics (formerly Invitae), Labcorp
Classification: Uncertain significance for Familial cancer of breast. Last evaluated: 2022-01-28. Review status: criteria provided, single submitter. Criteria: Invitae Variant Classification Sherloc (09022015). Collection method: clinical testing. Allele origin: germline.
Comment: In summary, the available evidence is currently insufficient to determine the role of this variant in disease. Therefore, it has been classified as a Variant of Uncertain Significance. Algorithms developed to predict the effect of missense changes on protein structure and function are either unavailable or do not agree on the potential impact of this missense change (SIFT: "Tolerated"; PolyPhen-2: "Probably Damaging"; Align-GVGD: "Class C0"). ClinVar contains an entry for this variant (Variation ID: 410173). This variant has not been reported in the literature in individuals affected with PALB2-related conditions. This variant is not present in population databases (gnomAD no frequency). This sequence change replaces proline, which is neutral and non-polar, with alanine, which is neutral and non-polar, at codon 1088 of the PALB2 protein (p.Pro1088Ala).

NM_024675.4(PALB2):c.3262C>G (p.Pro1088Ala)

Gene: PALB2 (partner and localizer of BRCA2; minus strand). Cytogenetic location: 16p12.2.
Variant type: single nucleotide variant.
Coding change: c.3262C>G on transcript NM_024675.4 (MANE Select); coding-DNA position 3262, C replaced by G.
Protein change: p.Pro1088Ala; replaces proline 1088 with alanine.
Molecular consequence: missense variant.
Genome position (GRCh38, 1-based): chr16:23,607,952, G>C on the plus strand (C>G on the coding strand, the complement: PALB2 is on the minus strand). VCF-style: chr16-23607952-G-C. GRCh37 (hg19) VCF-style: chr16-23619273-G-C.
Other names: short protein forms P1088A.
Identifiers: ClinVar variation 410173 (VCV000410173.11), dbSNP rs1060502777, ClinGen allele CA16614845.